The following is an entry in ClinVar:

ClinVar aggregate classification (germline): Likely pathogenic (1 of 4 stars; one submission).

Conditions:
Hydatidiform mole, recurrent, 1 (HYDM1). Identifiers: Orphanet 254688, Orphanet 99927, MedGen C3463897, MONDO:0009273, OMIM 231090. Disease mechanism: loss of function.

Submission:

Victorian Clinical Genetics Services, Murdoch Childrens Research Institute
Classification: Likely pathogenic for Hydatidiform mole, recurrent, 1. Last evaluated: 2023-12-21. Review status: criteria provided, single submitter. Criteria: ACMG Guidelines, 2015. Collection method: clinical testing. Allele origin: germline. Inheritance: Autosomal recessive inheritance. Affected: yes.
Comment: Based on the classification scheme VCGS_Germline_v1.3.4, this variant is classified as Likely Pathogenic. Following criteria are met: 0102 - Loss of function is the likely mechanism of disease in this gene and is associated with hydatidiform mole, recurrent 1 (MIM#231090). (I) 0106 - This gene is associated with autosomal recessive disease. (I) 0113 - This gene is postulated to be associated with a maternal multi-locus imprinting defect (PMID: 35842788). (I) 0200 - Variant is predicted to result in a missense amino acid change from alanine to valine. (I) 0251 - This variant is heterozygous. (I) 0301 - Variant is absent from gnomAD (both v2 and v3). (SP) 0503 - Missense variant consistently predicted to be tolerated by multiple in silico tools or not conserved in placental mammals with a minor amino acid change. However, this residue is well-conserved in primates and in silico tools are unreliable due to lineage-specific evolution (PMID: 19682372). (I) 0600 - Variant is located in the leucine-rich region (PMID: 19246479). (I) 0705 - No comparable missense variants have previous evidence for pathogenicity. (I) 0807 - This variant has no previous evidence of pathogenicity. (I) 0905 - No published segregation evidence has been identified for this variant. (I) 1007 - No published functional evidence has been identified for this variant. (I) 1101 - Very strong and specific phenotype match for this individual. (SP) 1201 - Heterozygous variant detected in trans with a second pathogenic heterozygous variant (c.2161C>T; p.(Arg721Trp)) in a recessive disease. (SP) 1208 - Inheritance information for this variant is not currently available in this individual. (I) Legend: (SP) - Supporting pathogenic, (I) - Information, (SB) - Supporting benign

Literature cited by the submitters: PubMed 19246479; PubMed 19682372; PubMed 35842788.

NM_001127255.2(NLRP7):c.2177C>T (p.Ala726Val)

Genes: NCR1 (natural cytotoxicity triggering receptor 1), NLRP7 (NLR family pyrin domain containing 7; minus strand). Cytogenetic location: 19q13.42.
Variant type: single nucleotide variant.
Coding change: c.2177C>T on transcript NM_001127255.2 (MANE Select); coding-DNA position 2177, C replaced by T.
Protein change: p.Ala726Val; replaces alanine 726 with valine.
Molecular consequence: missense variant.
Genome position (GRCh38, 1-based): chr19:54,936,384, G>A on the plus strand (C>T on the coding strand, the complement: NLRP7 is on the minus strand). VCF-style: chr19-54936384-G-A. GRCh37 (hg19) VCF-style: chr19-55447752-G-A.
Other names: c.2177C>T, p.Ala726Val (NM_001405531.1, NM_206828.4); c.2093C>T, p.Ala698Val (NM_139176.4); short protein forms A698V, A726V.
Identifiers: ClinVar variation 3376766 (VCV003376766.1).